The following is an entry in ClinVar:

ClinVar aggregate classification (germline): Pathogenic/Likely pathogenic. Review status: criteria provided, multiple submitters, no conflicts (2 of 4 stars). 4 submissions from 4 submitters: Pathogenic (3); Likely pathogenic (1). Last evaluated 2026-07-23.

Conditions:
CEP290-related ciliopathy. Also called: CEP290 ciliopathy. Identifiers: MedGen CN305601, MONDO:0100451.
Joubert syndrome. Also called: Familial aplasia of the vermis; JOUBERT-BOLTSHAUSER SYNDROME. Identifiers: Orphanet 475, MedGen C5979921, MONDO:0018772.
Meckel-Gruber syndrome. Also called: DYSENCEPHALIA SPLANCHNOCYSTICA; GRUBER SYNDROME; Dysencephalia splachnocystica. Identifiers: Orphanet 564, MedGen C0265215, MONDO:0018921.
Nephronophthisis. Also called: Juvenile Nephronophthisis. Identifiers: Orphanet 655, MedGen C0687120, MONDO:0019005, HP:0000090.
Senior-Loken syndrome 6 (SLSN6). Identifiers: Orphanet 3156, MedGen C1857779, MONDO:0012433, OMIM 610189.
Bardet-Biedl syndrome 14 (BBS14). Identifiers: Orphanet 110, MedGen C2673874, MONDO:0014442, OMIM 615991.
Leber congenital amaurosis 10 (LCA10). Identifiers: Orphanet 65, MedGen C1857821, MONDO:0012723, OMIM 611755.
Meckel syndrome, type 4 (MKS4). Also called: MECKEL-GRUBER SYNDROME, TYPE 4. Identifiers: Orphanet 564, MedGen C1970161, MONDO:0012626, OMIM 611134.
Joubert syndrome 5 (JBTS5). Identifiers: Orphanet 2318, MedGen C1857780, MONDO:0012432, OMIM 610188.
CEP290-related disorder. Also called: CEP290-related disorders; CEP290-related condition. Identifiers: MedGen CN239314.

gnomAD v4.1: 1 of 1,531,688 alleles (0.000065%); no homozygotes.

Submissions (4):

Myriad Genetics, Inc.
Classification: Pathogenic for CEP290-related ciliopathy. Last evaluated: 2026-07-23. Review status: criteria provided, single submitter. Criteria: Myriad Autosomal Dominant, Autosomal Recessive and X-Linked Classification Criteria (2023). Collection method: clinical testing. Allele origin: unknown.
Comment: NM_025114.3(CEP290):c.6836T>A(L2279*) is expected to be pathogenic in the context of CEP290-related disorders. This variant is predicted to lead to an abnormal or absent protein product due to the creation of a premature termination codon in CEP290, a gene where loss-of-function variants are known to be pathogenic. Please note: this variant was assessed in the context of healthy population screening.

Fulgent Genetics
Classification: Pathogenic for Joubert syndrome 5; Senior-Loken syndrome 6; Meckel syndrome, type 4; Leber congenital amaurosis 10; Bardet-Biedl syndrome 14. Last evaluated: 2024-04-25. Review status: criteria provided, single submitter. Criteria: ACMG Guidelines, 2015. Collection method: clinical testing. Allele origin: germline.

Labcorp Genetics (formerly Invitae), Labcorp
Classification: Pathogenic for Joubert syndrome; Meckel-Gruber syndrome; Nephronophthisis. Last evaluated: 2022-06-30. Review status: criteria provided, single submitter. Criteria: Invitae Variant Classification Sherloc (09022015). Collection method: clinical testing. Allele origin: germline.
Comment: This variant has not been reported in the literature in individuals affected with CEP290-related conditions. This variant is not present in population databases (gnomAD no frequency). This sequence change creates a premature translational stop signal (p.Leu2279*) in the CEP290 gene. It is expected to result in an absent or disrupted protein product. Loss-of-function variants in CEP290 are known to be pathogenic (PMID: 16909394, 17345604, 20690115). ClinVar contains an entry for this variant (Variation ID: 858111). For these reasons, this variant has been classified as Pathogenic.

Blueprint Genetics
Classification: Likely pathogenic for CEP290-related disorders. Last evaluated: 2018-01-30. Review status: criteria provided, single submitter. Criteria: ACMG Guidelines, 2015. Collection method: clinical testing. Allele origin: germline. Affected: yes. Observed: 1 variant allele.

Literature cited by the submitters: PubMed 16909394 (cited by Labcorp Genetics (formerly Invitae), Labcorp); PubMed 17345604 (cited by Labcorp Genetics (formerly Invitae), Labcorp); PubMed 20690115 (cited by Labcorp Genetics (formerly Invitae), Labcorp).

NM_025114.4(CEP290):c.6836T>A (p.Leu2279Ter)

Gene: CEP290 (centrosomal protein 290; minus strand). Cytogenetic location: 12q21.32.
Variant type: single nucleotide variant.
Coding change: c.6836T>A on transcript NM_025114.4 (MANE Select); coding-DNA position 6836, T replaced by A.
Protein change: p.Leu2279Ter; replaces leucine 2279 with a stop codon.
Molecular consequence: nonsense.
Genome position (GRCh38, 1-based): chr12:88,055,700, A>T on the plus strand (T>A on the coding strand, the complement: CEP290 is on the minus strand). VCF-style: chr12-88055700-A-T. GRCh37 (hg19) VCF-style: chr12-88449477-A-T.
Other names: short protein forms L2279*.
Identifiers: ClinVar variation 858111 (VCV000858111.16), dbSNP rs2033943937, ClinGen allele CA385976661.